The following is an entry in ClinVar:

ClinVar aggregate classification (germline): Uncertain significance (1 of 4 stars; one submission).

Conditions:
Acrocallosal syndrome (ACLS). Also called: HALLUX DUPLICATION, POSTAXIAL POLYDACTYLY, AND ABSENCE OF CORPUS CALLOSUM; Schinzel syndrome 1; Absence of corpus callosum with unusual facial appearance, mental deficiency, duplication of the halluces and polydactyly. Identifiers: Orphanet 36, MedGen C0796147, MONDO:0008708, OMIM 200990.

Allele frequency attached by ClinVar (database versions not stated): gnomAD exomes below 0.00001.

Submission:

Labcorp Genetics (formerly Invitae), Labcorp
Classification: Uncertain significance for Acrocallosal syndrome. Last evaluated: 2023-12-11. Review status: criteria provided, single submitter. Criteria: Invitae Variant Classification Sherloc (09022015). Collection method: clinical testing. Allele origin: germline.
Comment: This sequence change replaces aspartic acid, which is acidic and polar, with asparagine, which is neutral and polar, at codon 461 of the KIF7 protein (p.Asp461Asn). The frequency data for this variant in the population databases is considered unreliable, as metrics indicate poor data quality at this position in the gnomAD database. This variant has not been reported in the literature in individuals affected with KIF7-related conditions. ClinVar contains an entry for this variant (Variation ID: 1514341). Advanced modeling of protein sequence and biophysical properties (such as structural, functional, and spatial information, amino acid conservation, physicochemical variation, residue mobility, and thermodynamic stability) performed at Invitae indicates that this missense variant is not expected to disrupt KIF7 protein function with a negative predictive value of 80%. In summary, the available evidence is currently insufficient to determine the role of this variant in disease. Therefore, it has been classified as a Variant of Uncertain Significance.

NM_198525.3(KIF7):c.1381G>A (p.Asp461Asn)

Gene: KIF7 (kinesin family member 7; minus strand). Cytogenetic location: 15q26.1.
Variant type: single nucleotide variant.
Coding change: c.1381G>A on transcript NM_198525.3 (MANE Select); coding-DNA position 1381, G replaced by A.
Protein change: p.Asp461Asn; replaces aspartic acid 461 with asparagine.
Molecular consequence: missense variant.
Genome position (GRCh38, 1-based): chr15:89,648,317, C>T on the plus strand (G>A on the coding strand, the complement: KIF7 is on the minus strand). VCF-style: chr15-89648317-C-T. GRCh37 (hg19) VCF-style: chr15-90191548-C-T.
Other names: short protein forms D461N.
Identifiers: ClinVar variation 1514341 (VCV001514341.6), dbSNP rs1185420675, ClinGen allele CA393770869.